The following is an entry in ClinVar:

ClinVar aggregate classification (germline): Benign/Likely benign. Review status: criteria provided, multiple submitters, no conflicts (2 of 4 stars). 7 submissions from 7 submitters: Benign (1); Likely benign (6). Last evaluated 2026-01-23.

Conditions:
DOCK2-related disorder. Also called: DOCK2-related condition.
DOCK2 deficiency. Also called: Immunodeficiency 40. Identifiers: Orphanet 447737, MedGen C4225328, MONDO:0014637, OMIM 616433.

Allele frequency attached by ClinVar (database versions not stated): 1000 Genomes Project 0.00080; 1000 Genomes Project 30x 0.00094; ExAC 0.00143; gnomAD exomes 0.00144; gnomAD 0.00151 and 0.00153; TOPMed 0.00152; ESP Exome Variant Server 0.00200.
gnomAD v4.1: 3,890 of 1,614,154 alleles (0.24%); highest among the groups gnomAD compares: Non-Finnish European, 0.3%; 7 homozygotes.

Submissions (7):

Women's Health and Genetics/Laboratory Corporation of America, LabCorp
Classification: Likely benign. Last evaluated: 2026-01-23. Review status: criteria provided, single submitter. Criteria: LabCorp Variant Classification Summary - May 2015. Collection method: clinical testing. Allele origin: germline.

Labcorp Genetics (formerly Invitae), Labcorp
Classification: Likely benign for DOCK2 deficiency. Last evaluated: 2026-01-19. Review status: criteria provided, single submitter. Criteria: Invitae Variant Classification Sherloc (09022015). Collection method: clinical testing. Allele origin: germline.

Mayo Clinic Laboratories, Mayo Clinic
Classification: Benign. Last evaluated: 2025-09-29. Review status: criteria provided, single submitter. Criteria: ACMG Guidelines, 2015. Collection method: clinical testing. Allele origin: germline. Observed: 1 variant allele.
Comment: BS1, BS2, BP4_strong, PP2

PreventionGenetics, part of Exact Sciences
Classification: Likely benign for DOCK2-related condition. Last evaluated: 2024-11-19. Review status: criteria provided, single submitter. Criteria: ACMG Guidelines, 2015. Collection method: clinical testing. Allele origin: germline.
Comment: This variant is classified as likely benign based on ACMG/AMP sequence variant interpretation guidelines (Richards et al. 2015 PMID: 25741868, with internal and published modifications).

Blueprint Genetics
Classification: Likely benign. Last evaluated: 2024-11-07. Review status: criteria provided, single submitter. Criteria: ACMG Guidelines, 2015. Collection method: clinical testing. Allele origin: germline.

CeGaT Center for Human Genetics Tuebingen
Classification: Likely benign. Last evaluated: 2021-08-01. Review status: criteria provided, single submitter. Criteria: CeGaT Center For Human Genetics Tuebingen Variant Classification Criteria Version 2. Collection method: clinical testing. Allele origin: germline. Affected: yes. Observed: 1 variant allele.

Breakthrough Genomics
Classification: Likely benign. Review status: criteria provided, single submitter. Criteria: ACMG Guidelines, 2015. Collection method: not provided. Allele origin: germline. Inheritance: Autosomal recessive inheritance. Affected: yes.

NM_004946.3(DOCK2):c.5446G>T (p.Ala1816Ser)

Gene: DOCK2 (dedicator of cytokinesis 2; plus strand). Cytogenetic location: 5q35.1.
Variant type: single nucleotide variant.
Coding change: c.5446G>T on transcript NM_004946.3 (MANE Select); coding-DNA position 5446, G replaced by T.
Protein change: p.Ala1816Ser; replaces alanine 1816 with serine.
Molecular consequence: missense variant. On other transcripts: non-coding transcript variant (1).
Genome position (GRCh38, 1-based): chr5:170,082,811, G>T. VCF-style: chr5-170082811-G-T. GRCh37 (hg19) VCF-style: chr5-169509815-G-T.
Other names: p.Ala1816Ser; c.5446G>T, p.Ala1816Ser (LRG_1227t1); short protein forms A1816S.
Identifiers: ClinVar variation 542632 (VCV000542632.50), dbSNP rs144315682, ClinGen allele CA3554894.